The following is an entry in ClinVar:

ClinVar aggregate classification (germline): Conflicting classifications of pathogenicity. Review status: criteria provided, conflicting classifications (1 of 4 stars). 4 submissions from 4 submitters: Uncertain significance (2); Likely benign (1). 1 of the submissions does not count toward it. Last evaluated 2026-07-01.

Conditions:
Lateral meningocele syndrome (LMNS). Also called: NOTCH3-Related Lateral Meningocele Syndrome. Identifiers: Orphanet 2789, MedGen C1851710, MONDO:0007537, OMIM 130720.
Cerebral arteriopathy, autosomal dominant, with subcortical infarcts and leukoencephalopathy, type 1 (CADASIL1). Also called: CADASIL 1; Cerebral arteriopathy with subcortical infarcts and leukoencephalopathy 1; CASIL; DEMENTIA, HEREDITARY MULTIINFARCT TYPE. Identifiers: Orphanet 136, MedGen C4551768, MONDO:0000914, OMIM 125310.
Myofibromatosis, infantile, 2. Identifiers: Orphanet 2591, MedGen C3809084, MONDO:0014122, OMIM 615293.
Cerebral cavernous malformation (CCM). Also called: CAVERNOUS ANGIOMA, FAMILIAL; CAVERNOUS ANGIOMATOUS MALFORMATIONS; CEREBRAL CAPILLARY MALFORMATIONS; Cavernous Hemangioma of Brain; Cerebral cavernous hemangioma (type); Cerebral cavernous malformations. Identifiers: Orphanet 221061, MedGen C2919945, MONDO:0000820, OMIM 116860, HP:0033522.
NOTCH3-related disorder. Also called: NOTCH3-related condition; NOTCH3-related disorders.

Allele frequency attached by ClinVar (database versions not stated): gnomAD exomes 0.00004 and 0.00006; gnomAD 0.00005 and 0.00006; TOPMed 0.00007; ExAC 0.00010.
gnomAD v4.1: 69 of 1,597,996 alleles (0.0043%); highest among the groups gnomAD compares: Middle Eastern, 0.15%; no homozygotes.

Submissions (4):

PreventionGenetics, part of Exact Sciences
Classification: Uncertain significance for NOTCH3-related condition. Last evaluated: 2026-07-01. Review status: criteria provided, single submitter. Criteria: ACMG Guidelines, 2015. Collection method: clinical testing. Allele origin: germline.
Comment: The NOTCH3 c.2960C>G variant is predicted to result in the amino acid substitution p.Thr987Ser. This variant has been reported in an individual with cerebral cavernous malformation (CCM) (Benedetti et al. 2022. PubMed ID: 35883785) and in an individual with CADASIL-like disease who experienced seizures (Khezri et al. 2018. DOI 10.1177/1747493018802481). This variant is reported in 0.014% of alleles in individuals of South Asian descent in gnomAD and has conflicting interpretations in ClinVar ranging from likely benign to uncertain (Variation ID: 1299384). At this time, the clinical significance of this variant is uncertain due to the absence of conclusive functional and genetic evidence.

Labcorp Genetics (formerly Invitae), Labcorp
Classification: Likely benign. Last evaluated: 2023-10-03. Review status: criteria provided, single submitter. Criteria: Invitae Variant Classification Sherloc (09022015). Collection method: clinical testing. Allele origin: germline.

Fulgent Genetics
Classification: Uncertain significance for Cerebral arteriopathy, autosomal dominant, with subcortical infarcts and leukoencephalopathy, type 1; Lateral meningocele syndrome; Myofibromatosis, infantile, 2. Last evaluated: 2022-03-01. Review status: criteria provided, single submitter. Criteria: ACMG Guidelines, 2015. Collection method: clinical testing. Allele origin: unknown.

Laboratory of Medical Genetics, University of Torino
Classification: Benign for Cerebral cavernous malformation. Last evaluated: 2021-10-06. Review status: no assertion criteria provided. Collection method: research. Allele origin: unknown. Affected: yes. Not counted in ClinVar's aggregate classification.

NM_000435.3(NOTCH3):c.2960C>G (p.Thr987Ser)

Gene: NOTCH3 (notch receptor 3; minus strand). Cytogenetic location: 19p13.12.
Variant type: single nucleotide variant.
Coding change: c.2960C>G on transcript NM_000435.3 (MANE Select); coding-DNA position 2960, C replaced by G.
Protein change: p.Thr987Ser; replaces threonine 987 with serine.
Molecular consequence: missense variant.
Genome position (GRCh38, 1-based): chr19:15,180,995, G>C on the plus strand (C>G on the coding strand, the complement: NOTCH3 is on the minus strand). VCF-style: chr19-15180995-G-C. GRCh37 (hg19) VCF-style: chr19-15291806-G-C.
Other names: short protein forms T987S.
Identifiers: ClinVar variation 1299384 (VCV001299384.11), dbSNP rs752995216, ClinGen allele CA9263227.